The following is an entry in ClinVar:

NM_003628.6(PKP4):c.3094A>G (p.Thr1032Ala)

Genes: PKP4 (plakophilin 4; plus strand), PKP4-AS1 (PKP4 antisense RNA 1; minus strand). Cytogenetic location: 2q24.1.
Variant type: single nucleotide variant.
Coding change: c.3094A>G on transcript NM_003628.6 (MANE Select); coding-DNA position 3094, A replaced by G.
Protein change: p.Thr1032Ala; replaces threonine 1032 with alanine.
Molecular consequence: missense variant.
Genome position (GRCh38, 1-based): chr2:158,673,967, A>G. VCF-style: chr2-158673967-A-G. GRCh37 (hg19) VCF-style: chr2-159530479-A-G.
Other names: c.3085A>G, p.Thr1029Ala (NM_001377224.1); c.3094A>G, p.Thr1032Ala (NM_001377225.1, NM_001005476.4, NM_001377218.1); c.3091A>G, p.Thr1031Ala (NM_001377226.1, NM_001304969.3, NM_001377219.1 and 2 more transcripts); c.2065A>G, p.Thr689Ala (NM_001304970.3); c.3088A>G, p.Thr1030Ala (NM_001377222.1, NM_001377223.1); short protein forms T1031A, T1029A, T1032A, T689A, T1030A.
Identifiers: ClinVar variation 4568598 (VCV004568598.1).

ClinVar aggregate classification (germline): Uncertain significance (1 of 4 stars; one submission).

Submission:

Ambry Genetics
Classification: Uncertain significance. Last evaluated: 2025-10-27. Review status: criteria provided, single submitter. Criteria: Ambry Variant Classification Scheme 2023. Collection method: clinical testing. Allele origin: germline.
Comment: The p.T1032A variant (also known as c.3094A>G), located in coding exon 18 of the PKP4 gene, results from an A to G substitution at nucleotide position 3094. The threonine at codon 1032 is replaced by alanine, an amino acid with similar properties. This amino acid position is conserved. In addition, this alteration is predicted to be tolerated by in silico analysis. Based on the available evidence, the clinical significance of this variant remains unclear.